The following is an entry in ClinVar:

ClinVar aggregate classification (germline): Pathogenic/Likely pathogenic. Review status: criteria provided, multiple submitters, no conflicts (2 of 4 stars). 15 submissions from 15 submitters: Pathogenic (6); Likely pathogenic (5). 4 of the submissions do not count toward it. Last evaluated 2025-08-22.

Conditions:
Hereditary cancer-predisposing syndrome. Also called: Hereditary Cancer Syndrome; Hereditary neoplastic syndrome; Neoplastic Syndromes, Hereditary; Tumor predisposition. Identifiers: Orphanet 140162, MedGen C0027672, MeSH D009386, MONDO:0015356.
Familial cancer of breast. Also called: hereditary breast carcinoma; BREAST CANCER, FAMILIAL; Hereditary breast cancer. Identifiers: Orphanet 227535, MedGen C0346153, MONDO:0016419, OMIM 114480. Disease mechanism: loss of function.
Hereditary breast ovarian cancer syndrome. Also called: BRCA1- and BRCA2-Associated Hereditary Breast and Ovarian Cancer; Hereditary breast and ovarian cancer syndrome; Hereditary breast and ovarian cancer syndrome (HBOC); Breast and ovarian cancer; Hereditary breast and/or ovarian cancer syndrome; Hereditary breast and ovarian cancer. Identifiers: Orphanet 145, MedGen C0677776, MeSH D061325, MONDO:0003582. Disease mechanism: loss of function.
Breast-ovarian cancer, familial, susceptibility to, 1 (BROVCA1). Also called: BRCA1 Hereditary Breast and Ovarian Cancer; OVARIAN CANCER, SUSCEPTIBILITY TO. Identifiers: Orphanet 145, MedGen C2676676, MONDO:0011450, OMIM 604370. Disease mechanism: loss of function.

Allele frequency attached by ClinVar (database versions not stated): gnomAD exomes below 0.00001.
gnomAD v4.1: 1 of 1,614,132 alleles (0.000062%); highest among the groups gnomAD compares: Non-Finnish European, 0.000085%; no homozygotes.

Submissions 1 to 6 of 16:

Institute of Immunology and Genetics Kaiserslautern
Classification: Pathogenic for Breast-ovarian cancer, familial, susceptibility to, 1. Last evaluated: 2025-08-22. Review status: criteria provided, single submitter. Criteria: ACMG Guidelines, 2015. Collection method: clinical testing. Allele origin: germline. Affected: yes.
Comment: ACMG Criteria: PS3, PS4, PM1, PM2_P, PM5_P, PP1_S, PP3, PP5; Variant was found in heterozygous state.

Labcorp Genetics (formerly Invitae), Labcorp
Classification: Pathogenic for Hereditary breast ovarian cancer syndrome. Last evaluated: 2025-07-30. Review status: criteria provided, single submitter. Criteria: Invitae Variant Classification Sherloc (09022015). Collection method: clinical testing. Allele origin: germline.
Comment: This sequence change replaces valine, which is neutral and non-polar, with methionine, which is neutral and non-polar, at codon 1833 of the BRCA1 protein (p.Val1833Met). This variant is present in population databases (rs80357268, gnomAD 0.0009%). This missense change has been observed in individual(s) with breast and/or ovarian cancer (PMID: 10923033, 12142080, 16284991, 23536787; internal data). It has also been observed to segregate with disease in related individuals. This variant is also known as 5616G>A. ClinVar contains an entry for this variant (Variation ID: 55598). Invitae Evidence Modeling incorporating data from in vitro experimental studies (PMID: 30209399) indicates that this missense variant is expected to disrupt BRCA1 function with a positive predictive value of 95%. Experimental studies have shown that this missense change affects BRCA1 function (PMID: 15004537, 17493881, 18992264, 20378548, 20516115, 20526115, 28781887, 30209399). For these reasons, this variant has been classified as Pathogenic.

Ambry Genetics
Classification: Likely pathogenic for Hereditary cancer-predisposing syndrome. Last evaluated: 2025-07-01. Review status: criteria provided, single submitter. Criteria: Ambry Variant Classification Scheme 2023. Collection method: clinical testing. Allele origin: germline.
Comment: The p.V1833M variant (also known as c.5497G>A), located in coding exon 22 of the BRCA1 gene, results from a G to A substitution at nucleotide position 5497. The valine at codon 1833 is replaced by methionine, an amino acid with highly similar properties. This alteration has been found with enriched frequency in cohorts of Greek breast and/or ovarian cancer patients and segregated with disease in one kindred with familial ovarian cancer (Stavropoulou AV, PLoS ONE 2013; 8(3):e58182; Apessos A et al. Cancer Genet 2018 01;220:1-12; Papamentzelopoulou M et al. Cancer Genet. 2019 Sep;237:90-96). The work by Rowling et al., both experimentally and computationally showed the destabilization of the BRCT2 domain by this variant, significantly leading to unfolding and loss of function (Rowling PJ, J. Biol. Chem. 2010 Jun; 285(26):20080-7). Functional assays demonstrate reduced transactivation activity compared to wild-type (Carvalho M, Mutat. Res. 2009 Jan; 660(1-2):1-11, Woods et al, npj Genomic Medicine 1, Article number: 16001 (2016) doi:10.1038/npjgenmed.2016.1; Findlay GM et al. Nature 2018 10;562(7726):217-222). This amino acid position is highly conserved in available vertebrate species. In addition, this alteration is predicted to be deleterious by in silico analysis. Based on the majority of available evidence to date, this variant is likely to be pathogenic.

Quest Diagnostics Nichols Institute San Juan Capistrano
Classification: Pathogenic. Last evaluated: 2025-02-05. Review status: criteria provided, single submitter. Criteria: Quest Diagnostics criteria. Collection method: clinical testing. Allele origin: unknown.
Comment: The BRCA1 c.5497G>A (p.Val1833Met) variant has been reported in the published literature in multiple individuals and families with breast and/or ovarian cancer (PMIDs: 12142080 (2002), 16284991 (2005), 23536787 (2013), and 31447071 (2019)). Functional studies demonstrated that this variant is damaging to protein function (PMIDs: 15004537 (2004), 17493881 (2007), 18992264 (2009), 20378548 (2010), 20526115 (2010), 28781887 (2016), 30209399 (2018), and 30765603 (2019)). It is described as a Greek founder mutation (PMID: 31447071 (2019), and has been reported to segregate with disease (PMIDs: 12142080 (2002), 16284991 (2005), 23536787 (2013), and 31447071 (2019)). The frequency of this variant in the general population (Genome Aggregation Database) is consistent with pathogenicity. Analysis of this variant using bioinformatics tools for the prediction of the effect of amino acid changes on protein structure and function yielded predictions that this variant is damaging. Based on the available information, this variant is classified as pathogenic.

German Consortium for Hereditary Breast and Ovarian Cancer, University Hospital Cologne
Classification: Likely pathogenic for Hereditary breast ovarian cancer syndrome. Last evaluated: 2024-11-20. Review status: criteria provided, single submitter. Criteria: ClinGen BRCA1 V1.1.0. Collection method: curation. Allele origin: germline.
Comment: According to the ClinGen ENIGMA BRCA1 v1.1.0 criteria we chose these criteria: PS3 (strong pathogenic): Table 9: Findlay 2018 (PMID:30209399) - LOF Petitalot 2019 (PMID:30257991) - 2P (VUS?) Bouwman 2020 (PMID:32546644) - Deleterious Fernandes 2019 (PMID:30765603) - Pathogenic, PS4 (strong pathogenic): PMID: 31447071 Greek founder mutation identified in 27/3531 HBOC patients but not in 1558 controls from greece. (OR 12 and lower 95%CI boundary 1.63) , PM2 (supporting pathogenic): not in gnomAD V3, only 1X in gnomAD V4

Color Diagnostics, LLC DBA Color Health
Classification: Pathogenic for Hereditary cancer-predisposing syndrome. Last evaluated: 2024-06-04. Review status: criteria provided, single submitter. Criteria: ACMG Guidelines, 2015. Collection method: clinical testing. Allele origin: germline.
Comment: This missense variant replaces valine with methionine at codon 1833 of the BRCA1 protein. Computational prediction tool suggests that this variant may have deleterious impact on protein structure and function. Functional studies have shown that this variant impairs BRCA1 function in protein folding, stability and transcriptional activation, cisplatin and PARP inhibitor sensitivity, homology-directed repair assays and in a haploid cell proliferation assay (PMID: 15004537, 17493881, 18992264, 20378548, 20526115, 28781887, 30209399, 32546644). This variant is known to be a founder mutation in the Greek population (PMID: 31447071) and has been observed in more than a dozen individuals each affected with breast or ovarian cancer (PMID: 16284991, 23536787, 31447071). One segregation analysis on multiple carrier families reported a likelihood ratio for pathogenicity of 1.88 (PMID: 31447071). However, a later multifactorial analysis reported likelihood ratios for pathogenicity based on co-segregation, tumor pathology and family history of 7.85814, 80.4827, 2.76, respectively (PMID: 35039532). This variant has also been identified in 1/251228 chromosomes in the general population by the Genome Aggregation Database (gnomAD). Based on the available evidence, this variant is classified as Pathogenic.

NM_007294.4(BRCA1):c.5497G>A (p.Val1833Met)

Gene: BRCA1 (BRCA1 DNA repair associated; minus strand). Cytogenetic location: 17q21.31.
Variant type: single nucleotide variant.
Coding change: c.5497G>A on transcript NM_007294.4 (MANE Select); coding-DNA position 5497, G replaced by A.
Protein change: p.Val1833Met; replaces valine 1833 with methionine.
Molecular consequence: missense variant. On other transcripts: 3 prime UTR variant (1), non-coding transcript variant (1).
Genome position (GRCh38, 1-based): chr17:43,045,773, C>T on the plus strand (G>A on the coding strand, the complement: BRCA1 is on the minus strand). VCF-style: chr17-43045773-C-T. GRCh37 (hg19) VCF-style: chr17-41197790-C-T.
Other names: 5616G>A; c.5494G>A, p.Val1832Met (NM_001407624.1, NM_001407625.1, NM_001407626.1 and 14 more transcripts); c.5491G>A, p.Val1831Met (NM_001407627.1, NM_001407628.1, NM_001407629.1 and 13 more transcripts); c.5488G>A, p.Val1830Met (NM_001407644.1, NM_001407645.1); c.5485G>A, p.Val1829Met (NM_001407646.1); c.5482G>A, p.Val1828Met (NM_001407647.1); c.5440G>A, p.Val1814Met (NM_001407648.1); c.5437G>A, p.Val1813Met (NM_001407649.1); and 75 more; short protein forms V1833M, V1854M, V729M, V1786M, V1536M, V1722M, V1745M, V1761M.
Identifiers: ClinVar variation 55598 (VCV000055598.34), dbSNP rs80357268, ClinGen allele CA003667.